The following is an entry in ClinVar:

ClinVar aggregate classification (germline): Uncertain significance. Review status: criteria provided, multiple submitters, no conflicts (2 of 4 stars). 3 submissions from 3 submitters: Uncertain significance (3). Last evaluated 2025-10-11.

Conditions:
Ehlers-Danlos syndrome, classic type, 1 (EDSCL1). Also called: EHLERS-DANLOS SYNDROME, GRAVIS TYPE; EHLERS-DANLOS SYNDROME, SEVERE CLASSIC TYPE; Ehlers-Danlos syndrome, type 1; EDS I; Ehlers-Danlos Syndrome, Classic Type, COL5A1-Related. Identifiers: MedGen C0268335, MONDO:0019567, OMIM 130000.
Fibromuscular dysplasia, multifocal. Identifiers: MedGen C5543412, MONDO:0859151, OMIM 619329.

Allele frequency attached by ClinVar (database versions not stated): TOPMed below 0.00001; gnomAD 0.00001; 1000 Genomes Project 30x 0.00016; 1000 Genomes Project 0.00020.
gnomAD v4.1: 9 of 1,614,098 alleles (0.00056%); highest among the groups gnomAD compares: South Asian, 0.0033%; no homozygotes.

Submissions (3):

Labcorp Genetics (formerly Invitae), Labcorp
Classification: Uncertain significance for Ehlers-Danlos syndrome, classic type, 1. Last evaluated: 2025-10-11. Review status: criteria provided, single submitter. Criteria: Invitae Variant Classification Sherloc (09022015). Collection method: clinical testing. Allele origin: germline.
Comment: This sequence change replaces arginine, which is basic and polar, with glutamine, which is neutral and polar, at codon 948 of the COL5A1 protein (p.Arg948Gln). This variant is not present in population databases (gnomAD no frequency). This variant has not been reported in the literature in individuals affected with COL5A1-related conditions. ClinVar contains an entry for this variant (Variation ID: 1318896). Experimental studies and prediction algorithms are not available or were not evaluated, and the functional significance of this variant is currently unknown. In summary, the available evidence is currently insufficient to determine the role of this variant in disease. Therefore, it has been classified as a Variant of Uncertain Significance.

Fulgent Genetics
Classification: Uncertain significance for Ehlers-Danlos syndrome, classic type, 1; Fibromuscular dysplasia, multifocal. Last evaluated: 2021-10-07. Review status: criteria provided, single submitter. Criteria: ACMG Guidelines, 2015. Collection method: clinical testing. Allele origin: unknown.

GeneDx
Classification: Uncertain significance. Last evaluated: 2019-08-09. Review status: criteria provided, single submitter. Criteria: GeneDx Variant Classification Process June 2021. Collection method: clinical testing. Allele origin: germline. Affected: yes.
Comment: Has not been previously published as pathogenic or benign to our knowledge; Not observed in large population cohorts (Lek et al., 2016); In silico analysis, which includes protein predictors and evolutionary conservation, supports a deleterious effect; Occurs in the triple helical domain at the Y position in the canonical Gly-X-Y repeat; although this variant may have an effect on normal protein folding and function, missense substitution at the Y position is not a common mechanism of disease (Symoens et al., 2012; Stenson et al., 2014)

NM_000093.5(COL5A1):c.2843G>A (p.Arg948Gln)

Gene: COL5A1 (collagen type V alpha 1 chain; plus strand). Cytogenetic location: 9q34.3.
Variant type: single nucleotide variant.
Coding change: c.2843G>A on transcript NM_000093.5 (MANE Select); coding-DNA position 2843, G replaced by A.
Protein change: p.Arg948Gln; replaces arginine 948 with glutamine.
Molecular consequence: missense variant.
Genome position (GRCh38, 1-based): chr9:134,796,417, G>A. VCF-style: chr9-134796417-G-A. GRCh37 (hg19) VCF-style: chr9-137688263-G-A.
Other names: c.2843G>A, p.Arg948Gln (NM_001278074.1); short protein forms R948Q.
Identifiers: ClinVar variation 1318896 (VCV001318896.4), dbSNP rs574551567, ClinGen allele CA201109015.